The following is an entry in ClinVar:

ClinVar aggregate classification (germline): Uncertain significance. Review status: criteria provided, multiple submitters, no conflicts (2 of 4 stars). 4 submissions from 4 submitters: Uncertain significance (3). 1 of the submissions does not count toward it. Last evaluated 2025-05-01.

Conditions:
FN1-related disorder. Also called: FN1-related condition.
Glomerulopathy with fibronectin deposits 2 (GFND2). Identifiers: Orphanet 84090, MedGen C1866075, MONDO:0011165, OMIM 601894.
Spondylometaphyseal dysplasia - Sutcliffe type. Also called: Sutcliffe type of spondylometaphyseal dysplasia; Sutcliffe SMD; Spondylometaphyseal dysplasia, 'corner fracture' type; Spondylometaphyseal Dysplasia, Corner Fracture Type. Identifiers: Orphanet 93315, MedGen C0432221, MONDO:0008479, OMIM 184255.
Inborn genetic diseases. Identifiers: MedGen C0950123, MeSH D030342.

Allele frequency attached by ClinVar (database versions not stated): ExAC 0.00002; gnomAD exomes 0.00006; gnomAD 0.00009; TOPMed 0.00009.
gnomAD v4.1: 105 of 1,613,958 alleles (0.0065%); highest among the groups gnomAD compares: Middle Eastern, 0.016%; no homozygotes.

Submissions (4):

Labcorp Genetics (formerly Invitae), Labcorp
Classification: Uncertain significance. Last evaluated: 2025-05-01. Review status: criteria provided, single submitter. Criteria: Invitae Variant Classification Sherloc (09022015). Collection method: clinical testing. Allele origin: germline.
Comment: This sequence change replaces arginine, which is basic and polar, with histidine, which is basic and polar, at codon 1392 of the FN1 protein (p.Arg1392His). This variant is present in population databases (rs745854917, gnomAD 0.009%), and has an allele count higher than expected for a pathogenic variant. This variant has not been reported in the literature in individuals affected with FN1-related conditions. ClinVar contains an entry for this variant (Variation ID: 2192750). An algorithm developed to predict the effect of missense changes on protein structure and function (PolyPhen-2) suggests that this variant is likely to be disruptive. In summary, the available evidence is currently insufficient to determine the role of this variant in disease. Therefore, it has been classified as a Variant of Uncertain Significance.

Fulgent Genetics
Classification: Uncertain significance for Spondylometaphyseal dysplasia - Sutcliffe type; Glomerulopathy with fibronectin deposits 2. Last evaluated: 2024-04-08. Review status: criteria provided, single submitter. Criteria: ACMG Guidelines, 2015. Collection method: clinical testing. Allele origin: germline.

Ambry Genetics
Classification: Uncertain significance for Inborn genetic diseases. Last evaluated: 2024-02-27. Review status: criteria provided, single submitter. Criteria: Ambry Variant Classification Scheme 2023. Collection method: clinical testing. Allele origin: germline.

PreventionGenetics, part of Exact Sciences
Classification: Uncertain significance for FN1-related condition. Last evaluated: 2024-01-27. Review status: no assertion criteria provided. Collection method: clinical testing. Allele origin: germline. Not counted in ClinVar's aggregate classification.
Comment: The FN1 c.4175G>A variant is predicted to result in the amino acid substitution p.Arg1392His. To our knowledge, this variant has not been reported in the literature. This variant is reported in 0.0093% of alleles in individuals of European (Non-Finnish) descent in gnomAD. At this time, the clinical significance of this variant is uncertain due to the absence of conclusive functional and genetic evidence.

NM_212482.4(FN1):c.4175G>A (p.Arg1392His)

Genes: FN1 (fibronectin 1; minus strand), LOC126806497 (BRD4-independent group 4 enhancer GRCh37_chr2:216255920-216257119; plus strand). Cytogenetic location: 2q35.
Variant type: single nucleotide variant.
Coding change: c.4175G>A on transcript NM_212482.4 (MANE Select); coding-DNA position 4175, G replaced by A.
Protein change: p.Arg1392His; replaces arginine 1392 with histidine.
Molecular consequence: missense variant.
Genome position (GRCh38, 1-based): chr2:215,391,709, C>T on the plus strand (G>A on the coding strand, the complement: FN1 is on the minus strand). VCF-style: chr2-215391709-C-T. GRCh37 (hg19) VCF-style: chr2-216256432-C-T.
Other names: c.4175G>A, p.Arg1392His (NM_001306129.2, NM_001306130.2, NM_001365517.2 and 3 more transcripts); c.3902G>A, p.Arg1301His (NM_001306131.2, NM_001306132.2, NM_001365518.2 and 7 more transcripts); c.4175G>A (NM_212482.2, NM_212482.1); short protein forms R1392H, R1301H.
Identifiers: ClinVar variation 2192750 (VCV002192750.8), dbSNP rs745854917, ClinGen allele CA2094501.